The following is an entry in ClinVar:

ClinVar aggregate classification (germline): Uncertain significance. Review status: criteria provided, multiple submitters, no conflicts (2 of 4 stars). 2 submissions from 2 submitters: Uncertain significance (2). Last evaluated 2022-02-10.

Conditions:
Inflammatory bowel disease. Identifiers: Orphanet 104012, MedGen C0021390, MONDO:0005265.

Allele frequency attached by ClinVar (database versions not stated): gnomAD exomes 0.00002; ExAC 0.00004; TOPMed 0.00004.
gnomAD v4.1: 8 of 1,614,142 alleles (0.0005%); highest among the groups gnomAD compares: East Asian, 0.016%; no homozygotes.

Submissions (2):

Labcorp Genetics (formerly Invitae), Labcorp
Classification: Uncertain significance for Inflammatory bowel disease. Last evaluated: 2022-02-10. Review status: criteria provided, single submitter. Criteria: Invitae Variant Classification Sherloc (09022015). Collection method: clinical testing. Allele origin: germline.
Comment: This sequence change replaces leucine, which is neutral and non-polar, with methionine, which is neutral and non-polar, at codon 13 of the IL10 protein (p.Leu13Met). This variant is present in population databases (rs769236514, gnomAD 0.02%). This variant has not been reported in the literature in individuals affected with IL10-related conditions. Algorithms developed to predict the effect of missense changes on protein structure and function are either unavailable or do not agree on the potential impact of this missense change (SIFT: "Deleterious"; PolyPhen-2: "Probably Damaging"; Align-GVGD: "Class C0"). In summary, the available evidence is currently insufficient to determine the role of this variant in disease. Therefore, it has been classified as a Variant of Uncertain Significance.

Blueprint Genetics
Classification: Uncertain significance. Last evaluated: 2021-07-27. Review status: criteria provided, single submitter. Criteria: ACMG Guidelines, 2015. Collection method: clinical testing. Allele origin: germline.

NM_000572.3(IL10):c.37C>A (p.Leu13Met)

Genes: IL10 (interleukin 10; minus strand), IL19 (interleukin 19; plus strand), LOC128462409 (CRISPRi-FlowFISH-validated IL10 regulatory element GRCh37_chr1:206945468-206946089; plus strand). Cytogenetic location: 1q32.1.
Variant type: single nucleotide variant.
Coding change: c.37C>A on transcript NM_000572.3 (MANE Select); coding-DNA position 37, C replaced by A.
Protein change: p.Leu13Met; replaces leucine 13 with methionine.
Molecular consequence: missense variant. On other transcripts: non-coding transcript variant (1), intron variant (2).
Genome position (GRCh38, 1-based): chr1:206,772,399, G>T on the plus strand (C>A on the coding strand, the complement: IL10 is on the minus strand). VCF-style: chr1-206772399-G-T. GRCh37 (hg19) VCF-style: chr1-206945744-G-T.
Other names: c.-149+1321G>T (NM_153758.5); c.-149+1569G>T (NM_001393490.1); short protein forms L13M.
Identifiers: ClinVar variation 1522939 (VCV001522939.4), dbSNP rs769236514, ClinGen allele CA1363854.
Genomic context (GRCh38, chr1:206,772,399, plus strand): 5'-AGTGGGTGCAGCTGTTCTCAGACTGGGTGCCCTGGCCTGGGCTGGCCCTCACCCCAGTCA[G>T]GAGGACCAGGCAACAGAGCAGTGCTGAGCTGTGCATGCCTTCTTTTGCAAGTCTGTCTTG-3'
Protein context (NP_000563.1, residues 3-23): SSALLCCLVL[Leu13Met]TGVRASPGQG